The following is an entry in ClinVar:

ClinVar aggregate classification (germline): Uncertain significance (1 of 4 stars; one submission).

Submission:

Labcorp Genetics (formerly Invitae), Labcorp
Classification: Uncertain significance. Last evaluated: 2025-04-14. Review status: criteria provided, single submitter. Criteria: Invitae Variant Classification Sherloc (09022015). Collection method: clinical testing. Allele origin: germline.
Comment: This sequence change replaces valine, which is neutral and non-polar, with phenylalanine, which is neutral and non-polar, at codon 1234 of the LTBP2 protein (p.Val1234Phe). This variant is not present in population databases (gnomAD no frequency). This variant has not been reported in the literature in individuals affected with LTBP2-related conditions. ClinVar contains an entry for this variant (Variation ID: 2053871). An algorithm developed to predict the effect of missense changes on protein structure and function (PolyPhen-2) suggests that this variant is likely to be disruptive. In summary, the available evidence is currently insufficient to determine the role of this variant in disease. Therefore, it has been classified as a Variant of Uncertain Significance.

NM_000428.3(LTBP2):c.3700G>T (p.Val1234Phe)

Gene: LTBP2 (latent transforming growth factor beta binding protein 2; minus strand). Cytogenetic location: 14q24.3.
Variant type: single nucleotide variant.
Coding change: c.3700G>T on transcript NM_000428.3 (MANE Select); coding-DNA position 3700, G replaced by T.
Protein change: p.Val1234Phe; replaces valine 1234 with phenylalanine.
Molecular consequence: missense variant.
Genome position (GRCh38, 1-based): chr14:74,508,048, C>A on the plus strand (G>T on the coding strand, the complement: LTBP2 is on the minus strand). VCF-style: chr14-74508048-C-A. GRCh37 (hg19) VCF-style: chr14-74974751-C-A.
Other names: short protein forms V1234F.
Identifiers: ClinVar variation 2053871 (VCV002053871.4), dbSNP rs2506135643, ClinGen allele CA390387559.